The following is an entry in ClinVar:

NM_000091.5(COL4A3):c.2144_2171del (p.Gly715fs)

Genes: COL4A3 (collagen type IV alpha 3 chain; plus strand), MFF-DT (MFF divergent transcript; minus strand). Cytogenetic location: 2q36.3.
Variant type: Deletion.
Coding change: c.2144_2171del on transcript NM_000091.5 (MANE Select); coding-DNA positions 2144 to 2171, 28 bases deleted (GTACAAAAGGATCACTGGGTTGTCCTGG).
Protein change: p.Gly715fs; shifts the reading frame from glycine 715.
Molecular consequence: frameshift variant.
Genome position (GRCh38, 1-based): chr2:227,279,811-227,279,838, GTACAAAAGGATCACTGGGTTGTCCTGG deleted; deleting any 28 consecutive bases within chr2:227,279,810-227,279,838 gives the same sequence; the c. name uses the placement nearest the transcript's 3' end. VCF-style (leftmost placement, unchanged base first): chr2-227279809-AGGTACAAAAGGATCACTGGGTTGTCCTG-A. GRCh37 (hg19) VCF-style: chr2-228144525-AGGTACAAAAGGATCACTGGGTTGTCCTG-A.
Other names: c.2144_2171delGTACAAAAGGATCACTGGGTTGTCCTGG (NM_000091.4); short protein forms G715fs.
Identifiers: ClinVar variation 4817213 (VCV004817213.1).

ClinVar aggregate classification (germline): Likely pathogenic (1 of 4 stars; one submission).

Conditions:
Alport syndrome. Also called: Hemorrhagic familial nephritis; Hemorrhagic hereditary nephritis; Congenital hereditary hematuria. Identifiers: Orphanet 63, MedGen C1567741, MONDO:0018965.

Submission:

Natera, Inc.
Classification: Likely pathogenic for Alport syndrome. Last evaluated: 2025-06-23. Review status: criteria provided, single submitter. Criteria: Natera Variant Classification Schema (03/2026). Collection method: clinical testing. Allele origin: germline.
Comment: The c.2144_2171delGTACAAAAGGATCACTGGGTTGTCCTGG variant in COL4A3 is a frameshift variant predicted to shift the reading frame beginning at codon 715 and leads to a stop codon 23 codons downstream. This variant is expected to result in nonsense mediated decay, truncation, or a dysfunctional protein product. This variant is rare in the general population with a frequency below the threshold expected for the associated phenotype(s). Given the available evidence, this variant is classified as Likely Pathogenic.